The following continues an entry in ClinVar:

NM_004004.6(GJB2):c.139G>T (p.Glu47Ter)

Gene: GJB2. ClinVar aggregate classification (germline): Pathogenic. Pathogenic (25).

Submissions 30 to 31 of 31:

Genome Diagnostics Laboratory, Amsterdam University Medical Center
Classification: Pathogenic. Review status: no assertion criteria provided. Collection method: clinical testing. Allele origin: germline. Affected: yes. Study: VKGL Data-share Consensus. Not counted in ClinVar's aggregate classification.

Joint Genome Diagnostic Labs from Nijmegen and Maastricht, Radboudumc and MUMC+
Classification: Pathogenic. Review status: no assertion criteria provided. Collection method: clinical testing. Allele origin: germline. Affected: yes. Study: VKGL Data-share Consensus. Not counted in ClinVar's aggregate classification.

Literature cited by the submitters: PubMed 9336442 (cited by 7 submitters); PubMed 15070423 (cited by 3 submitters); PubMed 31200317 (cited by Dasa); PubMed 24793888 (cited by Dasa); PubMed 21465647 (cited by 3 submitters); PubMed 22429511 (cited by Labcorp Genetics (formerly Invitae), Labcorp and Athena Diagnostics); PubMed 26553399 (cited by Labcorp Genetics (formerly Invitae), Labcorp); PubMed 33928925 (cited by Natera, Inc.); PubMed 23680645 (cited by Natera, Inc.); PubMed 27177978 (cited by Natera, Inc.); PubMed 20650534 (cited by Athena Diagnostics and Laboratory for Molecular Medicine, Mass General Brigham Personalized Medicine); PubMed 19366456 (cited by Athena Diagnostics and Women's Health and Genetics/Laboratory Corporation of America, LabCorp); PubMed 19723508 (cited by Athena Diagnostics); PubMed 9529365 (cited by Athena Diagnostics and Women's Health and Genetics/Laboratory Corporation of America, LabCorp); PubMed 17553572 (cited by Athena Diagnostics and Laboratory for Molecular Medicine, Mass General Brigham Personalized Medicine); PubMed 17357124 (cited by Athena Diagnostics and Laboratory for Molecular Medicine, Mass General Brigham Personalized Medicine); PubMed 12239718 (cited by Athena Diagnostics and Women's Health and Genetics/Laboratory Corporation of America, LabCorp); PubMed 15146474 (cited by 3 submitters); PubMed 29106882 (cited by Athena Diagnostics); PubMed 30094485 (cited by Athena Diagnostics); PubMed 24158611 (cited by Department of Otolaryngology – Head & Neck Surgery, Cochlear Implant Center and INGEBI, INGEBI / CONICET); PubMed 10905664 (cited by INGEBI, INGEBI / CONICET and Laboratory for Molecular Medicine, Mass General Brigham Personalized Medicine); PubMed 12910486 (cited by INGEBI, INGEBI / CONICET and Laboratory for Molecular Medicine, Mass General Brigham Personalized Medicine); PubMed 14985372 (cited by INGEBI, INGEBI / CONICET and Women's Health and Genetics/Laboratory Corporation of America, LabCorp); PubMed 17041943 (cited by Myriad Genetics, Inc. and Women's Health and Genetics/Laboratory Corporation of America, LabCorp); PubMed 11556849 (cited by Laboratory for Molecular Medicine, Mass General Brigham Personalized Medicine and Women's Health and Genetics/Laboratory Corporation of America, LabCorp); PubMed 15964725 (cited by Laboratory for Molecular Medicine, Mass General Brigham Personalized Medicine and Women's Health and Genetics/Laboratory Corporation of America, LabCorp); PubMed 15967879 (cited by Laboratory for Molecular Medicine, Mass General Brigham Personalized Medicine and Women's Health and Genetics/Laboratory Corporation of America, LabCorp); PubMed 11073548 (cited by Laboratory for Molecular Medicine, Mass General Brigham Personalized Medicine); PubMed 17253936 (cited by Laboratory for Molecular Medicine, Mass General Brigham Personalized Medicine); PubMed 11896458 (cited by Laboratory for Molecular Medicine, Mass General Brigham Personalized Medicine); PubMed 10982180 (cited by Laboratory for Molecular Medicine, Mass General Brigham Personalized Medicine and Women's Health and Genetics/Laboratory Corporation of America, LabCorp); PubMed 16076412 (cited by Laboratory for Molecular Medicine, Mass General Brigham Personalized Medicine); PubMed 19587431 (cited by Laboratory for Molecular Medicine, Mass General Brigham Personalized Medicine); PubMed 19371219 (cited by Women's Health and Genetics/Laboratory Corporation of America, LabCorp); PubMed 20236118 (cited by Women's Health and Genetics/Laboratory Corporation of America, LabCorp); PubMed 21962949 (cited by Women's Health and Genetics/Laboratory Corporation of America, LabCorp); PubMed 15365987 (cited by Women's Health and Genetics/Laboratory Corporation of America, LabCorp); PubMed 12497637 (cited by Women's Health and Genetics/Laboratory Corporation of America, LabCorp); PubMed 16380907 (cited by Women's Health and Genetics/Laboratory Corporation of America, LabCorp); PubMed 12172392 (cited by Women's Health and Genetics/Laboratory Corporation of America, LabCorp); PubMed 11439000 (cited by Women's Health and Genetics/Laboratory Corporation of America, LabCorp); PubMed 12325027 (cited by Women's Health and Genetics/Laboratory Corporation of America, LabCorp); PubMed 9620796 (cited by OMIM).